The following is an entry in ClinVar:

ClinVar aggregate classification (germline): Conflicting classifications of pathogenicity. Review status: criteria provided, conflicting classifications (1 of 4 stars). 10 submissions from 7 submitters: Uncertain significance (3); Benign (2); Likely benign (5). Last evaluated 2026-01-21.

Conditions:
Cone-rod dystrophy 12 (CORD12). Identifiers: Orphanet 1872, MedGen C2675210, MONDO:0012983, OMIM 612657.
Retinitis pigmentosa 41 (RP41). Also called: RETINAL DEGENERATION, AUTOSOMAL RECESSIVE, PROMININ-RELATED. Identifiers: Orphanet 791, MedGen C2677516, MONDO:0012796, OMIM 612095.
Retinal macular dystrophy type 2 (MCDR2). Also called: Bull's eye macular dystrophy. Identifiers: Orphanet 319640, MedGen C4749334, MONDO:0011957, OMIM 608051.
PROM1-related disorder. Also called: PROM1-related condition; PROM1-related disorders.
Retinitis pigmentosa (RP). Identifiers: Orphanet 791, MedGen C0035334, MeSH D012174, MONDO:0019200, OMIM 268000. Inheritance: Autosomal dominant, autosomal recessive and X linked inheritance.
Stargardt disease 4 (STGD4). Identifiers: Orphanet 827, MedGen C1863534, MONDO:0011370, OMIM 603786.

Allele frequency attached by ClinVar (database versions not stated): 1000 Genomes Project 0.00040; 1000 Genomes Project 30x 0.00062; gnomAD exomes 0.00118 and 0.00222; ESP Exome Variant Server 0.00125; TOPMed 0.00144; ExAC 0.00147; gnomAD 0.00149 and 0.00152.
gnomAD v4.1: 3,459 of 1,612,830 alleles (0.21%); highest among the groups gnomAD compares: Non-Finnish European, 0.26%; 4 homozygotes.

Submissions (10):

Labcorp Genetics (formerly Invitae), Labcorp
Classification: Likely benign. Last evaluated: 2026-01-21. Review status: criteria provided, single submitter. Criteria: Invitae Variant Classification Sherloc (09022015). Collection method: clinical testing. Allele origin: germline.

PreventionGenetics, part of Exact Sciences
Classification: Likely benign for PROM1-related condition. Last evaluated: 2025-06-30. Review status: criteria provided, single submitter. Criteria: ACMG Guidelines, 2015. Collection method: clinical testing. Allele origin: germline.
Comment: This variant is classified as likely benign based on ACMG/AMP sequence variant interpretation guidelines (Richards et al. 2015 PMID: 25741868, with internal and published modifications).

CeGaT Center for Human Genetics Tuebingen
Classification: Likely benign. Last evaluated: 2025-03-01. Review status: criteria provided, single submitter. Criteria: CeGaT Center For Human Genetics Tuebingen Variant Classification Criteria Version 2. Collection method: clinical testing. Allele origin: germline. Affected: yes. Observed: 3 variant alleles.
Comment: PROM1: BP4

Blueprint Genetics
Classification: Likely benign. Last evaluated: 2024-11-23. Review status: criteria provided, single submitter. Criteria: ACMG Guidelines, 2015. Collection method: clinical testing. Allele origin: germline.

Illumina Laboratory Services, Illumina
Classification: Benign for Cone-rod dystrophy 12. Last evaluated: 2017-04-27. Review status: criteria provided, single submitter. Criteria: ICSL Variant Classification Criteria 13 December 2019. Collection method: clinical testing. Allele origin: germline.
Comment: This variant was observed as part of a predisposition screen in an ostensibly healthy population. A literature search was performed for the gene, cDNA change, and amino acid change (where applicable). Publications were found based on this search. The evidence from the literature, in combination with allele frequency data from public databases where available, was sufficient to rule this variant out of causing disease. Therefore, this variant is classified as benign.

Illumina Laboratory Services, Illumina
Classification: Uncertain significance for Retinitis pigmentosa. Last evaluated: 2017-04-27. Review status: criteria provided, single submitter. Criteria: ICSL Variant Classification Criteria 13 December 2019. Collection method: clinical testing. Allele origin: germline.
Comment: This variant was observed as part of a predisposition screen in an ostensibly healthy population. A literature search was performed for the gene, cDNA change, and amino acid change (where applicable). Publications were found based on this search. However, the evidence from the literature, in combination with allele frequency data from public databases where available, was not sufficient to rule this variant in or out of causing disease. Therefore, this variant is classified as a variant of unknown significance.

Illumina Laboratory Services, Illumina
Classification: Benign for Retinal macular dystrophy type 2. Last evaluated: 2017-04-27. Review status: criteria provided, single submitter. Criteria: ICSL Variant Classification Criteria 13 December 2019. Collection method: clinical testing. Allele origin: germline.
Comment: the same text as in the submission from Illumina Laboratory Services, Illumina above.

Illumina Laboratory Services, Illumina
Classification: Likely benign for Stargardt disease 4. Last evaluated: 2017-04-27. Review status: criteria provided, single submitter. Criteria: ICSL Variant Classification Criteria 13 December 2019. Collection method: clinical testing. Allele origin: germline.
Comment: This variant was observed as part of a predisposition screen in an ostensibly healthy population. A literature search was performed for the gene, cDNA change, and amino acid change (where applicable). Publications were found based on this search. The evidence from the literature, in combination with allele frequency data from public databases where available, was sufficient to determine this variant is unlikely to cause disease. Therefore, this variant is classified as likely benign.

GeneDx
Classification: Uncertain significance. Last evaluated: 2017-01-24. Review status: criteria provided, single submitter. Criteria: GeneDx Variant Classification (06012015). Collection method: clinical testing. Allele origin: germline. Affected: yes.
Comment: The V449M variant in the PROM1 gene has not been reported previously as a pathogenic variant, nor as a benign variant, to our knowledge. Although not present in the homozygous state, the NHLBI ESP Exome Sequencing Project reports V449M was observed in 12/8500 (0.14%) alleles from individuals of Eastern European background, indicating it may be a rare variant in this population. The V449M variant is a conservative amino acid substitution, which is not likely to impact secondary protein structure as these residues share similar properties. This substitution occurs at a position where amino acids with similar properties to Valine are tolerated across species. In silico analysis is inconsistent in its predictions as to whether or not the variant is damaging to the protein structure/function.We interpret V449M as a variant of uncertain significance.

Eurofins Ntd Llc (ga)
Classification: Uncertain significance. Last evaluated: 2014-11-14. Review status: criteria provided, single submitter. Criteria: EGL Classification Definitions 2015. Collection method: clinical testing. Allele origin: germline. Observed: 1 variant allele, 1 heterozygote.

Literature cited by the submitters: PubMed 25910913 (cited by Illumina Laboratory Services, Illumina).

NM_006017.3(PROM1):c.1345G>A (p.Val449Met)

Gene: PROM1 (prominin 1; minus strand). Cytogenetic location: 4p15.32.
Variant type: single nucleotide variant.
Coding change: c.1345G>A on transcript NM_006017.3 (MANE Select); coding-DNA position 1345, G replaced by A.
Protein change: p.Val449Met; replaces valine 449 with methionine.
Molecular consequence: missense variant.
Genome position (GRCh38, 1-based): chr4:16,006,647, C>T on the plus strand (G>A on the coding strand, the complement: PROM1 is on the minus strand). VCF-style: chr4-16006647-C-T. GRCh37 (hg19) VCF-style: chr4-16008270-C-T.
Other names: c.1318G>A, p.Val440Met (NM_001145847.2, NM_001145848.2, NM_001145851.2 and 4 more transcripts); c.1345G>A, p.Val449Met (NM_001145849.2, NM_001145850.2); short protein forms V449M, V440M.
Identifiers: ClinVar variation 194072 (VCV000194072.65), dbSNP rs200620291, ClinGen allele CA239871.